The following is an entry in ClinVar:

ClinVar aggregate classification (germline): Conflicting classifications of pathogenicity. Review status: criteria provided, conflicting classifications (1 of 4 stars). 5 submissions from 5 submitters: Uncertain significance (4); Likely benign (1). Last evaluated 2024-07-18.

Conditions:
Neuropathy, hereditary sensory, type 2C. Also called: KIF1A-Related HSAN2 (HSAN2C); Hereditary sensory and autonomic neuropathy type IIC. Identifiers: Orphanet 970, MedGen C3280168, MONDO:0013634, OMIM 614213.
Hereditary spastic paraplegia 30. Identifiers: Orphanet 101010, MedGen C5235139, MONDO:0012476.
Intellectual disability, autosomal dominant 9 (NESCAVS). Also called: NESCAV SYNDROME; KIF1A-Related Neurodevelopmental Disorder. Identifiers: Orphanet 662367, MedGen C5393830, MONDO:0013656, OMIM 614255.
Inborn genetic diseases. Identifiers: MedGen C0950123, MeSH D030342.

Allele frequency attached by ClinVar (database versions not stated): ExAC 0.00001; gnomAD 0.00001; TOPMed 0.00001.

Submissions (5):

Labcorp Genetics (formerly Invitae), Labcorp
Classification: Likely benign for Hereditary spastic paraplegia 30; Neuropathy, hereditary sensory, type 2C; Intellectual disability, autosomal dominant 9. Last evaluated: 2024-07-18. Review status: criteria provided, single submitter. Criteria: Invitae Variant Classification Sherloc (09022015). Collection method: clinical testing. Allele origin: germline.

ARUP Laboratories, Molecular Genetics and Genomics, ARUP Laboratories
Classification: Uncertain significance. Last evaluated: 2024-01-02. Review status: criteria provided, single submitter. Criteria: ARUP Molecular Germline Variant Investigation Process 2024. Collection method: clinical testing. Allele origin: germline.
Comment: The KIF1A c.3827A>G; p.Asn1276Ser variant (rs765634975), to our knowledge, is not reported in the medical literature but is reported in ClinVar (Variation ID: 1738084). This variant is only observed on two alleles in the Genome Aggregation Database (v2.1.1), indicating it is not a common polymorphism. Computational analyses are uncertain whether this variant is neutral or deleterious (REVEL: 0.261). Due to limited information, the clinical significance of this variant is uncertain at this time.

GeneDx
Classification: Uncertain significance. Last evaluated: 2023-06-13. Review status: criteria provided, single submitter. Criteria: GeneDx Variant Classification Process June 2021. Collection method: clinical testing. Allele origin: germline. Affected: yes.
Comment: In silico analysis supports that this missense variant has a deleterious effect on protein structure/function; Has not been previously published as pathogenic or benign to our knowledge

Blueprint Genetics
Classification: Uncertain significance. Last evaluated: 2022-02-08. Review status: criteria provided, single submitter. Criteria: ACMG Guidelines, 2015. Collection method: clinical testing. Allele origin: germline.

Ambry Genetics
Classification: Uncertain significance for Inborn genetic diseases. Last evaluated: 2021-12-30. Review status: criteria provided, single submitter. Criteria: Ambry Variant Classification Scheme 2023. Collection method: clinical testing. Allele origin: germline.
Comment: The p.N1377S variant (also known as c.4130A>G), located in coding exon 39 of the KIF1A gene, results from an A to G substitution at nucleotide position 4130. The asparagine at codon 1377 is replaced by serine, an amino acid with highly similar properties. This amino acid position is well conserved in available vertebrate species. In addition, this alteration is predicted to be tolerated by in silico analysis. Since supporting evidence is limited at this time, the clinical significance of this alteration remains unclear.

NM_001244008.2(KIF1A):c.4130A>G (p.Asn1377Ser)

Gene: KIF1A (kinesin family member 1A; minus strand). Cytogenetic location: 2q37.3.
Variant type: single nucleotide variant.
Coding change: c.4130A>G on transcript NM_001244008.2 (MANE Select); coding-DNA position 4130, A replaced by G.
Protein change: p.Asn1377Ser; replaces asparagine 1377 with serine.
Molecular consequence: missense variant.
Genome position (GRCh38, 1-based): chr2:240,725,397, T>C on the plus strand (A>G on the coding strand, the complement: KIF1A is on the minus strand). VCF-style: chr2-240725397-T-C. GRCh37 (hg19) VCF-style: chr2-241664814-T-C.
Other names: c.3854A>G, p.Asn1285Ser (NM_001320705.2, NM_001379649.1); c.3881A>G, p.Asn1294Ser (NM_001330289.2); c.3929A>G, p.Asn1310Ser (NM_001330290.2, NM_001379648.1); c.4205A>G, p.Asn1402Ser (NM_001379631.1); c.4106A>G, p.Asn1369Ser (NM_001379632.1); c.4103A>G, p.Asn1368Ser (NM_001379633.1, NM_001379645.1); c.3956A>G, p.Asn1319Ser (NM_001379634.1); c.3953A>G, p.Asn1318Ser (NM_001379635.1, NM_001379646.1); and 8 more; short protein forms N1285S, N1319S, N1402S, N1284S, N1301S, N1377S, N1275S, N1276S.
Identifiers: ClinVar variation 1738084 (VCV001738084.10), dbSNP rs765634975, ClinGen allele CA2207478.
Genomic context (GRCh38, chr2:240,725,397, plus strand): 5'-GCATCACGGGAATAGAAGACCATGCAGAAGTCCTTGGTGACAACAGCCGGCTGGGTGCAG[T>C]TCTCCATCTGAGATAGGCGGGAGCAGGACTCAGGCACAAGGACACCCCGAGTGCCCAGGT-3'
Protein context (NP_001230937.1, residues 1367-1387): MTLSAYIEME[Asn1377Ser]CTQPAVVTKD